The following is an entry in ClinVar:

NM_000257.4(MYH7):c.1230C>G (p.Tyr410Ter)

Gene: MYH7 (myosin heavy chain 7; minus strand). Cytogenetic location: 14q11.2.
Variant type: single nucleotide variant.
Coding change: c.1230C>G on transcript NM_000257.4 (MANE Select); coding-DNA position 1230, C replaced by G.
Protein change: p.Tyr410Ter; replaces tyrosine 410 with a stop codon.
Molecular consequence: nonsense.
Genome position (GRCh38, 1-based): chr14:23,429,256, G>C on the plus strand (C>G on the coding strand, the complement: MYH7 is on the minus strand). VCF-style: chr14-23429256-G-C. GRCh37 (hg19) VCF-style: chr14-23898465-G-C.
Other names: short protein forms Y410*.
Identifiers: ClinVar variation 524953 (VCV000524953.7), dbSNP rs150885220, ClinGen allele CA389051075.

ClinVar aggregate classification (germline): Uncertain significance. Review status: criteria provided, multiple submitters, no conflicts (2 of 4 stars). 2 submissions from 2 submitters: Uncertain significance (2). Last evaluated 2023-09-07.

Conditions:
Hypertrophic cardiomyopathy. Also called: HYPERTROPHIC MYOCARDIOPATHY. Identifiers: Orphanet 217569, MedGen C0007194, MeSH D002312, MONDO:0005045, HP:0001639.

Submissions (2):

Clinical Genetics Laboratory, Skane University Hospital Lund
Classification: Uncertain significance. Last evaluated: 2023-09-07. Review status: criteria provided, single submitter. Criteria: ACMG Guidelines, 2015. Collection method: clinical testing. Allele origin: germline. Affected: yes.

Labcorp Genetics (formerly Invitae), Labcorp
Classification: Uncertain significance for Hypertrophic cardiomyopathy. Last evaluated: 2017-08-27. Review status: criteria provided, single submitter. Criteria: Invitae Variant Classification Sherloc (09022015). Collection method: clinical testing. Allele origin: germline.
Comment: In summary, the available evidence is currently insufficient to determine the role of this variant in disease. Therefore, it has been classified as a Variant of Uncertain Significance. The current clinical and genetic evidence is not sufficient to establish whether loss-of-function variants in MYH7 cause disease. This variant has not been reported in the literature in individuals with MYH7-related disease. This variant is not present in population databases (ExAC no frequency). This sequence change creates a premature translational stop signal (p.Tyr410*) in the MYH7 gene. It is expected to result in an absent or disrupted protein product.